The following is an entry in ClinVar:

ClinVar aggregate classification (germline): Likely benign (0 of 4 stars; one submission).

Conditions:
CEP57-related disorder. Also called: CEP57-related condition.

Allele frequency attached by ClinVar (database versions not stated): gnomAD exomes below 0.00001.
gnomAD v4.1: 3 of 1,592,732 alleles (0.00019%); highest among the groups gnomAD compares: Admixed American, 0.0017%; no homozygotes.

Submission:

PreventionGenetics, part of Exact Sciences
Classification: Likely benign for CEP57-related condition. Last evaluated: 2019-08-13. Review status: no assertion criteria provided. Collection method: clinical testing. Allele origin: germline.
Comment: This variant is classified as likely benign based on ACMG/AMP sequence variant interpretation guidelines (Richards et al. 2015 PMID: 25741868, with internal and published modifications).

NM_014679.5(CEP57):c.1273-9T>G

Gene: CEP57 (centrosomal protein 57; plus strand). Cytogenetic location: 11q21.
Variant type: single nucleotide variant.
Coding change: c.1273-9T>G on transcript NM_014679.5 (MANE Select); 9 bases into the intron before coding-DNA position 1273, T replaced by G.
Molecular consequence: intron variant.
Genome position (GRCh38, 1-based): chr11:95,831,017, T>G. VCF-style: chr11-95831017-T-G. GRCh37 (hg19) VCF-style: chr11-95564181-T-G.
Other names: c.1192-9T>G (NM_001363604.2); c.1246-9T>G (NM_001243776.2); c.1195-9T>G (NM_001243777.2).
Identifiers: ClinVar variation 3052902 (VCV003052902.2), dbSNP rs1390672128, ClinGen allele CA601194157.
Genomic context (GRCh38, chr11:95,831,017, plus strand): 5'-TTTGTTGTCAGAAAAAAAATATTTTCATTAAATTCTCCTTTTCCTTCCTGCCTTGGTTAT[T>G]TGGTATAGCTGGAGAAACAGAAGTTAGAGAAGCAGAAGAAGGAATTAAAAGCTACCAAAA-3'